The following is an entry in ClinVar:

NM_001830.4(CLCN4):c.2159_2160del (p.Leu720fs)

Gene: CLCN4 (Cl-/H+ antiporter 4; plus strand). Cytogenetic location: Xp22.2.
Variant type: Deletion.
Coding change: c.2159_2160del on transcript NM_001830.4 (MANE Select); coding-DNA positions 2159 to 2160, 2 bases deleted (TG; older notation c.2159_2160delTG).
Protein change: p.Leu720fs; shifts the reading frame from leucine 720.
Molecular consequence: frameshift variant.
Genome position (GRCh38, 1-based): chrX:10,220,844-10,220,845, TG deleted. VCF-style (leftmost placement, unchanged base first): chrX-10220843-CTG-C. GRCh37 (hg19) VCF-style: chrX-10188883-CTG-C.
Other names: c.1877_1878del, p.Leu626fs (NM_001256944.2); short protein forms L626fs, L720fs.
Identifiers: ClinVar variation 4883977 (VCV004883977.2).

ClinVar aggregate classification (germline): Uncertain significance (1 of 4 stars; one submission).

Conditions:
Intellectual disability, X-linked 49 (MRXSRC). Also called: MRX49; MENTAL RETARDATION, X-LINKED 15; RAYNAUD-CLAES SYNDROME; CLCN4-Related Neurodevelopmental Disorder; CLCN4-related X-linked intellectual disability syndrome. Identifiers: Orphanet 485350, Orphanet 777, MedGen C0796221, MONDO:0010250, OMIM 300114.

Submission:

Dasa
Classification: Uncertain significance for Intellectual disability, X-linked 49. Last evaluated: 2025-09-02. Review status: criteria provided, single submitter. Criteria: DASA Assertion Criteria. Collection method: clinical testing. Allele origin: germline.
Comment: NM_001830.4(CLCN4):c.2159_2160del (p.Leu720Argfs*40) is a frameshift variant in CLCN4 predicted to alter the reading frame and introduce a premature termination codon and is predicted to result in an absent or altered protein product. This variant is absent from population databases. The currently available literature and clinical evidence are not sufficient to establish a definitive association between this variant and the reported condition. Therefore, this variant is classified as a variant of uncertain significance.